The following is an entry in ClinVar:

ClinVar aggregate classification (germline): Uncertain significance (0 of 4 stars; one submission).

Conditions:
Prostate cancer. Also called: Malignant tumor of prostate. Identifiers: Orphanet 1331, MedGen C0376358, MONDO:0008315, HP:0012125.

Allele frequency attached by ClinVar (database versions not stated): gnomAD exomes below 0.00001; ExAC 0.00001.
gnomAD v4.1: 2 of 1,613,910 alleles (0.00012%); highest among the groups gnomAD compares: South Asian, 0.0011%; no homozygotes.

Submission:

Science for Life laboratory,  Karolinska Institutet
Classification: Uncertain significance for Malignant tumor of prostate. Review status: no assertion criteria provided. Collection method: not provided. Allele origin: somatic.
Comment: TumorID:SWE-16
ClinVar note: Converted during submission from Unknown to Uncertain significance.

NM_018557.3(LRP1B):c.10187G>C (p.Cys3396Ser)

Gene: LRP1B (LDL receptor related protein 1B; minus strand). Cytogenetic location: 2q22.1.
Variant type: single nucleotide variant.
Coding change: c.10187G>C on transcript NM_018557.3 (MANE Select); coding-DNA position 10187, G replaced by C.
Protein change: p.Cys3396Ser; replaces cysteine 3396 with serine.
Molecular consequence: missense variant.
Genome position (GRCh38, 1-based): chr2:140,444,437, C>G on the plus strand (G>C on the coding strand, the complement: LRP1B is on the minus strand). VCF-style: chr2-140444437-C-G. GRCh37 (hg19) VCF-style: chr2-141202006-C-G.
Other names: short protein forms C3396S.
Identifiers: ClinVar variation 161719 (VCV000161719.2), dbSNP rs193920865, ClinGen allele CA174658.
Genomic context (GRCh38, chr2:140,444,437, plus strand): 5'-CATCTTAAGTTTACTGGGATACATTTCTGGTTCTTGGTACATTTGAATTGACCTGACAGG[C>G]AGACATGTGTGTCTAGAACATAGAAGGAGAGAGAGAGAGAAAATTTGTGTCTGAATTAAA-3'
Protein context (NP_061027.2, residues 3386-3406): SDELNCDTHV[Cys3396Ser]LSGQFKCTKN